The following is an entry in ClinVar:

NM_001298.3(CNGA3):c.200dup (p.Gln68fs)

Gene: CNGA3 (cyclic nucleotide gated channel subunit alpha 3; plus strand). Cytogenetic location: 2q11.2.
Variant type: Duplication.
Coding change: c.200dup on transcript NM_001298.3 (MANE Select); coding-DNA position 200, one base duplicated (G; older notation c.200dupG).
Protein change: p.Gln68fs; shifts the reading frame from glutamine 68.
Molecular consequence: frameshift variant.
Genome position (GRCh38, 1-based): chr2:98,377,785, G duplicated; the last of 2 consecutive G bases (chr2:98,377,784-98,377,785); duplicating either gives the same sequence. VCF-style (leftmost placement, unchanged base first): chr2-98377783-C-CG. GRCh37 (hg19) VCF-style: chr2-98994246-C-CG.
Other names: c.200dup, p.Gln68fs (NM_001079878.2); short protein forms Q68fs.
Identifiers: ClinVar variation 3776211 (VCV003776211.1).

ClinVar aggregate classification (germline): Likely pathogenic (1 of 4 stars; one submission).

Conditions:
Achromatopsia 2 (ACHM2). Also called: COLORBLINDNESS, TOTAL; ROD MONOCHROMACY 2; ROD MONOCHROMATISM 2. Identifiers: Orphanet 49382, MedGen C1857618, MONDO:0009003, OMIM 216900.

Submission:

3billion
Classification: Likely pathogenic for Achromatopsia 2. Last evaluated: 2023-11-08. Review status: criteria provided, single submitter. Criteria: ACMG Guidelines, 2015. Collection method: clinical testing. Allele origin: germline. Affected: yes.
Comment: The variant is observed at an extremely low frequency in the gnomAD v2.1.1 dataset (total allele frequency: 0.003%). Predicted Consequence/Location: Frameshift: predicted to result in a loss or disruption of normal protein function through nonsense-mediated decay (NMD) or protein truncation. Multiple pathogenic variants are reported downstream of the variant. Therefore, this variant is classified as Likely pathogenic according to the recommendation of ACMG/AMP guideline.